The following is an entry in ClinVar:

NM_004341.5(CAD):c.5749C>G (p.Leu1917Val)

Gene: CAD (carbamoyl-phosphate synthetase 2, aspartate transcarbamylase, and dihydroorotase; plus strand). Cytogenetic location: 2p23.3.
Variant type: single nucleotide variant.
Coding change: c.5749C>G on transcript NM_004341.5 (MANE Select); coding-DNA position 5749, C replaced by G.
Protein change: p.Leu1917Val; replaces leucine 1917 with valine.
Molecular consequence: missense variant.
Genome position (GRCh38, 1-based): chr2:27,241,168, C>G. VCF-style: chr2-27241168-C-G. GRCh37 (hg19) VCF-style: chr2-27464036-C-G.
Other names: c.5560C>G, p.Leu1854Val (NM_001306079.2); short protein forms L1917V, L1854V.
Identifiers: ClinVar variation 1356664 (VCV001356664.5), dbSNP rs969329428, ClinGen allele CA346223522.

ClinVar aggregate classification (germline): Uncertain significance (1 of 4 stars; one submission).

Allele frequency attached by ClinVar (database versions not stated): gnomAD exomes below 0.00001 and 0.00002; gnomAD 0.00001.
gnomAD v4.1: 34 of 1,613,010 alleles (0.0021%); highest among the groups gnomAD compares: Non-Finnish European, 0.0027%; no homozygotes.

Submission:

Labcorp Genetics (formerly Invitae), Labcorp
Classification: Uncertain significance. Last evaluated: 2021-08-26. Review status: criteria provided, single submitter. Criteria: Invitae Variant Classification Sherloc (09022015). Collection method: clinical testing. Allele origin: germline.
Comment: This sequence change replaces leucine with valine at codon 1917 of the CAD protein (p.Leu1917Val). The leucine residue is moderately conserved and there is a small physicochemical difference between leucine and valine. This variant is not present in population databases (ExAC no frequency). This variant has not been reported in the literature in individuals affected with CAD-related conditions. Algorithms developed to predict the effect of missense changes on protein structure and function (SIFT, PolyPhen-2, Align-GVGD) all suggest that this variant is likely to be tolerated. In summary, the available evidence is currently insufficient to determine the role of this variant in disease. Therefore, it has been classified as a Variant of Uncertain Significance.